The following is an entry in ClinVar:

NM_004733.4(SLC33A1):c.1625C>T (p.Ser542Leu)

Gene: SLC33A1 (solute carrier family 33 member 1; minus strand). Cytogenetic location: 3q25.31.
Variant type: single nucleotide variant.
Coding change: c.1625C>T on transcript NM_004733.4 (MANE Select); coding-DNA position 1625, C replaced by T.
Protein change: p.Ser542Leu; replaces serine 542 with leucine.
Molecular consequence: missense variant.
Genome position (GRCh38, 1-based): chr3:155,828,235, G>A on the plus strand (C>T on the coding strand, the complement: SLC33A1 is on the minus strand). VCF-style: chr3-155828235-G-A. GRCh37 (hg19) VCF-style: chr3-155546024-G-A.
Other names: c.1625C>T, p.Ser542Leu (NM_001190992.2); c.1319C>T, p.Ser440Leu (NM_001363883.1); short protein forms S440L, S542L.
Identifiers: ClinVar variation 1311261 (VCV001311261.4), dbSNP rs767960891, ClinGen allele CA2677199.

ClinVar aggregate classification (germline): Uncertain significance. Review status: criteria provided, multiple submitters, no conflicts (2 of 4 stars). 2 submissions from 2 submitters: Uncertain significance (2). Last evaluated 2025-12-02.

Allele frequency attached by ClinVar (database versions not stated): TOPMed below 0.00001; gnomAD exomes 0.00001; ExAC 0.00002.
gnomAD v4.1: 9 of 1,612,896 alleles (0.00056%); highest among the groups gnomAD compares: Admixed American, 0.0017%; no homozygotes.

Submissions (2):

GeneDx
Classification: Uncertain significance. Last evaluated: 2025-12-02. Review status: criteria provided, single submitter. Criteria: GeneDx Variant Classification Process June 2021. Collection method: clinical testing. Allele origin: germline. Affected: yes.
Comment: Not observed at significant frequency in large population cohorts (gnomAD); In silico analysis supports that this missense variant has a deleterious effect on protein structure/function; Has not been previously published as pathogenic or benign to our knowledge

Blueprint Genetics
Classification: Uncertain significance. Last evaluated: 2018-11-08. Review status: criteria provided, single submitter. Criteria: ACMG Guidelines, 2015. Collection method: clinical testing. Allele origin: germline.